The following is an entry in ClinVar:

NM_000330.4(RS1):c.330_331inv (p.Ala111Thr)

Genes: CDKL5 (cyclin dependent kinase like 5; plus strand), RS1 (retinoschisin 1; minus strand). Cytogenetic location: Xp22.13.
Variant type: Inversion.
Coding change: c.330_331inv on transcript NM_000330.4 (MANE Select).
Protein change: p.Ala111Thr; replaces alanine 111 with threonine.
Molecular consequence: missense variant. On other transcripts: intron variant (2).
Genome position: GRCh38 VCF-style: chrX-18644621-CA-TG. GRCh37 (hg19) VCF-style: chrX-18662741-CA-TG.
Other names: c.2714-1386_2714-1385inv (NM_003159.3, NM_001037343.2); short protein forms A111T.
Identifiers: ClinVar variation 3647028 (VCV003647028.2).

ClinVar aggregate classification (germline): Uncertain significance (1 of 4 stars; one submission).

Submission:

Labcorp Genetics (formerly Invitae), Labcorp
Classification: Uncertain significance. Last evaluated: 2024-12-04. Review status: criteria provided, single submitter. Criteria: Invitae Variant Classification Sherloc (09022015). Collection method: clinical testing. Allele origin: germline.
Comment: This sequence change replaces alanine, which is neutral and non-polar, with threonine, which is neutral and polar, at codon 111 of the RS1 protein (p.Ala111Thr). Information on the frequency of this variant in the gnomAD database is not available, as this variant may be reported differently in the database. This missense change has been observed in individual(s) with retinoschisis (internal data). Experimental studies and prediction algorithms are not available or were not evaluated, and the functional significance of this variant is currently unknown. This variant disrupts the p.Ala111 amino acid residue in RS1. Other variant(s) that disrupt this residue have been determined to be pathogenic (internal data). This suggests that this residue is clinically significant, and that variants that disrupt this residue are likely to be disease-causing. In summary, the available evidence is currently insufficient to determine the role of this variant in disease. Therefore, it has been classified as a Variant of Uncertain Significance.